The following is an entry in ClinVar:

NM_015047.3(EMC1):c.960C>G (p.Ala320=)

Genes: EMC1 (ER membrane protein complex subunit 1; minus strand), EMC1-AS1 (EMC1 antisense RNA 1; plus strand). Cytogenetic location: 1p36.13.
Variant type: single nucleotide variant.
Coding change: c.960C>G on transcript NM_015047.3 (MANE Select); coding-DNA position 960, C replaced by G.
Protein change: p.Ala320=; no amino-acid change (alanine 320 retained).
Molecular consequence: synonymous variant.
Genome position (GRCh38, 1-based): chr1:19,239,297, G>C on the plus strand (C>G on the coding strand, the complement: EMC1 is on the minus strand). VCF-style: chr1-19239297-G-C. GRCh37 (hg19) VCF-style: chr1-19565791-G-C.
Other names: c.960C>G, p.Ala320= (NM_001271427.2, NM_001271428.2, NM_001375820.1 and 1 more transcripts); c.894C>G, p.Ala298= (NM_001271429.2).
Identifiers: ClinVar variation 731019 (VCV000731019.9), dbSNP rs1432309664, ClinGen allele CA416429951.

ClinVar aggregate classification (germline): Likely benign. Review status: criteria provided, multiple submitters, no conflicts (2 of 4 stars). 3 submissions from 3 submitters: Likely benign (2). 1 of the submissions does not count toward it. Last evaluated 2024-07-18.

Conditions:
EMC1-related disorder. Also called: EMC1-related condition.

Allele frequency attached by ClinVar (database versions not stated): TOPMed below 0.00001; gnomAD exomes 0.00001.
gnomAD v4.1: 5 of 1,614,076 alleles (0.00031%); highest among the groups gnomAD compares: Non-Finnish European, 0.00042%; no homozygotes.

Submissions (3):

Labcorp Genetics (formerly Invitae), Labcorp
Classification: Likely benign. Last evaluated: 2024-07-18. Review status: criteria provided, single submitter. Criteria: Invitae Variant Classification Sherloc (09022015). Collection method: clinical testing. Allele origin: germline.

Blueprint Genetics
Classification: Likely benign. Last evaluated: 2021-12-15. Review status: criteria provided, single submitter. Criteria: ACMG Guidelines, 2015. Collection method: clinical testing. Allele origin: germline.

PreventionGenetics, part of Exact Sciences
Classification: Likely benign for EMC1-related condition. Last evaluated: 2019-04-10. Review status: no assertion criteria provided. Collection method: clinical testing. Allele origin: germline. Not counted in ClinVar's aggregate classification.
Comment: This variant is classified as likely benign based on ACMG/AMP sequence variant interpretation guidelines (Richards et al. 2015 PMID: 25741868, with internal and published modifications).